The following is an entry in ClinVar:

NM_004004.6(GJB2):c.510C>T (p.Asn170=)

Gene: GJB2 (gap junction protein beta 2; minus strand). Cytogenetic location: 13q12.11.
Variant type: single nucleotide variant.
Coding change: c.510C>T on transcript NM_004004.6 (MANE Select); coding-DNA position 510, C replaced by T.
Protein change: p.Asn170=; no amino-acid change (asparagine 170 retained).
Molecular consequence: synonymous variant.
Genome position (GRCh38, 1-based): chr13:20,189,072, G>A on the plus strand (C>T on the coding strand, the complement: GJB2 is on the minus strand). VCF-style: chr13-20189072-G-A. GRCh37 (hg19) VCF-style: chr13-20763211-G-A.
Identifiers: ClinVar variation 633243 (VCV000633243.23), dbSNP rs763068053, ClinGen allele CA6904249.

ClinVar aggregate classification (germline): Conflicting classifications of pathogenicity. Review status: criteria provided, conflicting classifications (1 of 4 stars). 8 submissions from 6 submitters: Uncertain significance (1); Benign (1); Likely benign (4). 2 of the submissions do not count toward it. Last evaluated 2024-03-03.

Conditions:
GJB2-related disorder. Also called: GJB2-related condition; GJB2-related disorders. Identifiers: MedGen CN382183, MONDO:1060236.
Ichthyosis, hystrix-like, with hearing loss. Also called: Hystrix-like ichthyosis with deafness. Identifiers: Orphanet 477, MedGen C1865234, MONDO:0011245.
Autosomal dominant nonsyndromic hearing loss 3A. Identifiers: Orphanet 90635, MedGen C2675750, MONDO:0011103, OMIM 601544.
Autosomal recessive nonsyndromic hearing loss 1A (DFNB1A). Also called: GJB2-Related Autosomal Recessive Nonsyndromic Hearing Loss; GJB6-Related DFNB 1 Nonsyndromic Hearing Loss and Deafness; Deafness, autosomal recessive 1A; Nonsyndromic Hearing Loss and Deafness, DFNB1; Connexin 26 deafness; Deafness nonsyndromic, Connexin 26 linked. Identifiers: Orphanet 90636, MedGen C2673759, MONDO:0009076, OMIM 220290.

Allele frequency attached by ClinVar (database versions not stated): gnomAD 0.00002; TOPMed 0.00002; gnomAD exomes 0.00002 and 0.00004.
gnomAD v4.1: 38 of 1,613,924 alleles (0.0024%); highest among the groups gnomAD compares: African/African-American, 0.0067%; no homozygotes.

Submissions (8):

Labcorp Genetics (formerly Invitae), Labcorp
Classification: Likely benign. Last evaluated: 2024-03-03. Review status: criteria provided, single submitter. Criteria: Invitae Variant Classification Sherloc (09022015). Collection method: clinical testing. Allele origin: germline.

Women's Health and Genetics/Laboratory Corporation of America, LabCorp
Classification: Likely benign. Last evaluated: 2019-08-28. Review status: criteria provided, single submitter. Criteria: LabCorp Variant Classification Summary - May 2015. Collection method: clinical testing. Allele origin: germline.

Laboratory for Molecular Medicine, Mass General Brigham Personalized Medicine
Classification: Likely benign. Last evaluated: 2017-08-23. Review status: criteria provided, single submitter. Criteria: LMM Criteria. Collection method: clinical testing. Allele origin: germline. Observed: 1 variant allele.
Comment: p.Asn170Asn in exon 2 of GJB2: This variant is not expected to have clinical sig nificance because it does not alter an amino acid residue and is not located wit hin the splice consensus sequence. It has been identified in 1/8638 East Asian c hromosomes by the Exome Aggregation Consortium (ExAC .org; dbSNP rs763068053).

Illumina Laboratory Services, Illumina
Classification: Benign for Autosomal dominant keratitis-ichthyosis-hearing loss syndrome. Last evaluated: 2017-04-28. Review status: criteria provided, single submitter. Criteria: ICSL Variant Classification Criteria 13 December 2019. Collection method: clinical testing. Allele origin: germline.
Comment: This variant was observed as part of a predisposition screen in an ostensibly healthy population. A literature search was performed for the gene, cDNA change, and amino acid change (where applicable). Publications were found based on this search. The evidence from the literature, in combination with allele frequency data from public databases where available, was sufficient to rule this variant out of causing disease. Therefore, this variant is classified as benign.

Illumina Laboratory Services, Illumina
Classification: Likely benign for Autosomal dominant nonsyndromic hearing loss 3A. Last evaluated: 2017-04-28. Review status: criteria provided, single submitter. Criteria: ICSL Variant Classification Criteria 13 December 2019. Collection method: clinical testing. Allele origin: germline.
Comment: This variant was observed as part of a predisposition screen in an ostensibly healthy population. A literature search was performed for the gene, cDNA change, and amino acid change (where applicable). Publications were found based on this search. The evidence from the literature, in combination with allele frequency data from public databases where available, was sufficient to determine this variant is unlikely to cause disease. Therefore, this variant is classified as likely benign.

Illumina Laboratory Services, Illumina
Classification: Uncertain significance for Autosomal recessive nonsyndromic hearing loss 1A. Last evaluated: 2017-04-28. Review status: criteria provided, single submitter. Criteria: ICSL Variant Classification Criteria 13 December 2019. Collection method: clinical testing. Allele origin: germline.
Comment: This variant was observed as part of a predisposition screen in an ostensibly healthy population. A literature search was performed for the gene, cDNA change, and amino acid change (where applicable). Publications were found based on this search. However, the evidence from the literature, in combination with allele frequency data from public databases where available, was not sufficient to rule this variant in or out of causing disease. Therefore, this variant is classified as a variant of unknown significance.

Natera, Inc.
Classification: Likely benign for Autosomal recessive deafness type 1A. Last evaluated: 2019-11-11. Review status: no assertion criteria provided. Collection method: clinical testing. Allele origin: germline. Not counted in ClinVar's aggregate classification.

PreventionGenetics, part of Exact Sciences
Classification: Likely benign for GJB2-related condition. Last evaluated: 2019-09-23. Review status: no assertion criteria provided. Collection method: clinical testing. Allele origin: germline. Not counted in ClinVar's aggregate classification.
Comment: This variant is classified as likely benign based on ACMG/AMP sequence variant interpretation guidelines (Richards et al. 2015 PMID: 25741868, with internal and published modifications).

Literature cited by the submitters: PubMed 19775242 (cited by Illumina Laboratory Services, Illumina).